The following is an entry in ClinVar:

NM_000717.5(CA4):c.102C>A (p.Tyr34Ter)

Gene: CA4 (carbonic anhydrase 4; plus strand). Cytogenetic location: 17q23.1.
Variant type: single nucleotide variant.
Coding change: c.102C>A on transcript NM_000717.5 (MANE Select); coding-DNA position 102, C replaced by A.
Protein change: p.Tyr34Ter; replaces tyrosine 34 with a stop codon.
Molecular consequence: nonsense. On other transcripts: non-coding transcript variant (1).
Genome position (GRCh38, 1-based): chr17:60,155,357, C>A. VCF-style: chr17-60155357-C-A. GRCh37 (hg19) VCF-style: chr17-58232718-C-A.
Other names: short protein forms Y34*.
Identifiers: ClinVar variation 1519203 (VCV001519203.6), dbSNP rs1050024952, ClinGen allele CA400450462.
Genomic context (GRCh38, chr17:60,155,357, plus strand): 5'-CTTCCTCTCTGCTCCAGAGTCACACTGGTGCTACGAGGTTCAAGCCGAGTCCTCCAACTA[C>A]CCCTGCTTGGGTGAGTACAGCCAGTCCAGGGGACTGCTCTTTGTGCATGGTGGGCACCAC-3'

ClinVar aggregate classification (germline): Pathogenic (1 of 4 stars; one submission).

Submission:

Labcorp Genetics (formerly Invitae), Labcorp
Classification: Pathogenic. Last evaluated: 2024-10-26. Review status: criteria provided, single submitter. Criteria: Invitae Variant Classification Sherloc (09022015). Collection method: clinical testing. Allele origin: germline.
Comment: This sequence change creates a premature translational stop signal (p.Tyr34*) in the CA4 gene. It is expected to result in an absent or disrupted protein product. Loss-of-function variants in CA4 are known to be pathogenic (PMID: 33090715). This variant is not present in population databases (gnomAD no frequency). This variant has not been reported in the literature in individuals affected with CA4-related conditions. ClinVar contains an entry for this variant (Variation ID: 1519203). Algorithms developed to predict the effect of sequence changes on RNA splicing suggest that this variant may disrupt the consensus splice site. For these reasons, this variant has been classified as Pathogenic.

Literature cited by the submitters: PubMed 33090715.